The following is an entry in ClinVar:

ClinVar aggregate classification (germline): Pathogenic (1 of 4 stars; one submission).

Conditions:
Exostoses, multiple, type 2 (EXT2). Also called: Hereditary Multiple Osteochondromatosis, Type II; EXOSTOSES, MULTIPLE, TYPE II. Identifiers: Orphanet 321, MedGen C1851413, MONDO:0007586, OMIM 133701.

Submission:

Labcorp Genetics (formerly Invitae), Labcorp
Classification: Pathogenic for Exostoses, multiple, type 2. Last evaluated: 2020-11-27. Review status: criteria provided, single submitter. Criteria: Invitae Variant Classification Sherloc (09022015). Collection method: clinical testing. Allele origin: germline.
Comment: For these reasons, this variant has been classified as Pathogenic. This variant has not been reported in the literature in individuals with EXT2-related conditions. This variant is not present in population databases (ExAC no frequency). This sequence change creates a premature translational stop signal (p.Leu335Tyrfs*20) in the EXT2 gene. It is expected to result in an absent or disrupted protein product. Loss-of-function variants in EXT2 are known to be pathogenic (PMID: 10679937, 19810120).

Literature cited by the submitters: PubMed 10679937; PubMed 19810120.

NM_207122.2(EXT2):c.1003_1004insA (p.Leu335fs)

Gene: EXT2 (exostosin glycosyltransferase 2; plus strand). Cytogenetic location: 11p11.2.
Variant type: Insertion.
Coding change: c.1003_1004insA on transcript NM_207122.2 (MANE Select); coding-DNA positions 1003 to 1004, A inserted.
Protein change: p.Leu335fs; shifts the reading frame from leucine 335.
Molecular consequence: frameshift variant.
Genome position: GRCh38 VCF-style: chr11-44126879-T-TA. GRCh37 (hg19) VCF-style: chr11-44148429-T-TA.
Other names: c.1102_1103insA, p.Leu368fs (NM_000401.3); c.1003_1004insA, p.Leu335fs (NM_001178083.3, NM_001389628.1, NM_001389630.1); short protein forms L335fs, L368fs.
Identifiers: ClinVar variation 1432441 (VCV001432441.6), dbSNP rs2135020617, ClinGen allele CA2573146320.